The following is an entry in ClinVar:

Single allele

Genes: ADAD2 (adenosine deaminase domain containing 2; plus strand), ADAD2-AS1 (ADAD2 antisense RNA 1; minus strand), DNAAF1 (dynein axonemal assembly factor 1; plus strand), HSDL1 (hydroxysteroid dehydrogenase like 1; minus strand), MBTPS1 (membrane bound transcription factor peptidase, site 1; minus strand) and 16 more. Cytogenetic location: 16q23.3-24.1.
Variant type: Deletion.
Identifiers: ClinVar variation 5021146 (VCV005021146.1).

ClinVar aggregate classification (germline): Pathogenic (1 of 4 stars; one submission).

Conditions:
Spermatogenic Failure. Identifiers: MedGen C3553794, MONDO:0004983.

Submission:

Conrad Lab, Oregon Health and Science University
Classification: Pathogenic for Spermatogenic Failure. Last evaluated: 2026-09-29. Review status: criteria provided, single submitter. Criteria: ACMG Guidelines, 2015. Collection method: research. Allele origin: germline. Affected: yes. Observed: 1 variant allele. Study: GEMINI.
Comment: Oxford Nanopore sequencing supported the deletion with three reads, including split reads spanning the deletion, and established an ADAD2 frameshift insertion (rs754783785) in trans, as reported in the manuscript. Biallelic ADAD2 loss of function has been reported in human non-obstructive azoospermia (Shi et al., 2023, doi:10.1093/hropen/hoad022), with supporting male-infertility phenotypes in knockout mice. The loss-of-function effect, trans configuration and phenotype support the submitted Pathogenic classification for spermatogenic failure.